The following is an entry in ClinVar:

NM_000368.5(TSC1):c.23G>C (p.Gly8Ala)

Gene: TSC1 (TSC complex subunit 1; minus strand). Cytogenetic location: 9q34.13.
Variant type: single nucleotide variant.
Coding change: c.23G>C on transcript NM_000368.5 (MANE Select); coding-DNA position 23, G replaced by C.
Protein change: p.Gly8Ala; replaces glycine 8 with alanine.
Molecular consequence: missense variant. On other transcripts: 5 prime UTR variant (1).
Genome position (GRCh38, 1-based): chr9:132,928,850, C>G on the plus strand (G>C on the coding strand, the complement: TSC1 is on the minus strand). VCF-style: chr9-132928850-C-G. GRCh37 (hg19) VCF-style: chr9-135804237-C-G.
Other names: c.23G>C, p.Gly8Ala (NM_001162426.2, NM_001162427.2); c.-237G>C (NM_001362177.2); short protein forms G8A.
Identifiers: ClinVar variation 452175 (VCV000452175.20), dbSNP rs1269896419, ClinGen allele CA375375427.

ClinVar aggregate classification (germline): Conflicting classifications of pathogenicity. Review status: criteria provided, conflicting classifications (1 of 4 stars). 5 submissions from 5 submitters: Uncertain significance (4); Benign (1). Last evaluated 2026-06-17.

Conditions:
Hereditary cancer-predisposing syndrome. Also called: Neoplastic Syndromes, Hereditary; Hereditary neoplastic syndrome; Hereditary Cancer Syndrome; Tumor predisposition. Identifiers: Orphanet 140162, MedGen C0027672, MeSH D009386, MONDO:0015356.
Tuberous sclerosis 1 (TSC1). Identifiers: Orphanet 805, MedGen C1854465, MONDO:0008612, OMIM 191100.

Allele frequency attached by ClinVar (database versions not stated): TOPMed below 0.00001; gnomAD 0.00001.
gnomAD v4.1: 1 of 1,614,076 alleles (0.000062%); highest among the groups gnomAD compares: East Asian, 0.0022%; no homozygotes.

Submissions (5):

Ambry Genetics
Classification: Uncertain significance for Hereditary cancer-predisposing syndrome. Last evaluated: 2026-06-17. Review status: criteria provided, single submitter. Criteria: Ambry Variant Classification Scheme 2023. Collection method: clinical testing. Allele origin: germline.

Labcorp Genetics (formerly Invitae), Labcorp
Classification: Benign for Tuberous sclerosis 1. Last evaluated: 2026-01-28. Review status: criteria provided, single submitter. Criteria: Invitae Variant Classification Sherloc (09022015). Collection method: clinical testing. Allele origin: germline.

GeneDx
Classification: Uncertain significance. Last evaluated: 2022-11-18. Review status: criteria provided, single submitter. Criteria: GeneDx Variant Classification Process June 2021. Collection method: clinical testing. Allele origin: germline. Affected: yes.
Comment: Not observed at significant frequency in large population cohorts (gnomAD); In silico analysis supports that this missense variant does not alter protein structure/function; Has not been previously published as pathogenic or benign to our knowledge

Sema4
Classification: Uncertain significance for Hereditary cancer-predisposing syndrome. Last evaluated: 2022-02-19. Review status: criteria provided, single submitter. Criteria: Sema4 Curation Guidelines. Collection method: curation. Allele origin: germline.
Comment: The TSC1 c.23G>C (p.G8A) variant has not been reported in the literature to our knowledge. This variant is not reported in the population database Genome Aggregation Database (PMID: 32461654). The variant has been reported in ClinVar (Variation ID: 452175). Functional studies have not been performed, and in silico predictions of the variant's effect on protein function are inconclusive. The evidence is insufficient to meet ACMG/AMP criteria for classifying the variant as benign or pathogenic. Thus, the clinical significance of this variant is currently uncertain.

Genome-Nilou Lab
Classification: Uncertain significance for Tuberous sclerosis 1. Last evaluated: 2021-11-07. Review status: criteria provided, single submitter. Criteria: ACMG Guidelines, 2015. Collection method: clinical testing. Allele origin: germline. Affected: no.